The following is an entry in ClinVar:

NM_001348768.2(HECW2):c.4414C>T (p.His1472Tyr)

Gene: HECW2 (HECT, C2 and WW domain containing E3 ubiquitin protein ligase 2; minus strand). Cytogenetic location: 2q32.3.
Variant type: single nucleotide variant.
Coding change: c.4414C>T on transcript NM_001348768.2 (MANE Select); coding-DNA position 4414, C replaced by T.
Protein change: p.His1472Tyr; replaces histidine 1472 with tyrosine.
Molecular consequence: missense variant.
Genome position (GRCh38, 1-based): chr2:196,217,088, G>A on the plus strand (C>T on the coding strand, the complement: HECW2 is on the minus strand). VCF-style: chr2-196217088-G-A. GRCh37 (hg19) VCF-style: chr2-197081812-G-A.
Other names: c.3346C>T, p.His1116Tyr (NM_001304840.3); c.4414C>T, p.His1472Tyr (NM_020760.4); short protein forms H1116Y, H1472Y.
Identifiers: ClinVar variation 3773695 (VCV003773695.2).

ClinVar aggregate classification (germline): Uncertain significance (1 of 4 stars; one submission).

Conditions:
Neurodevelopmental disorder with hypotonia, seizures, and absent language (NDHSAL). Identifiers: MedGen C4310643, MONDO:0014995, OMIM 617268.

Submission:

Institute of Human Genetics, University of Leipzig Medical Center
Classification: Uncertain significance for Neurodevelopmental disorder with hypotonia, seizures, and absent language. Last evaluated: 2025-03-04. Review status: criteria provided, single submitter. Criteria: ACMG Guidelines, 2015. Collection method: clinical testing. Allele origin: unknown. Inheritance: Autosomal dominant inheritance. Affected: yes.
Comment: Criteria applied: PM1,PM2,PP2